The following is an entry in ClinVar:

ClinVar aggregate classification (germline): Pathogenic (1 of 4 stars; one submission).

Conditions:
Melnick-Fraser syndrome (BOR). Also called: Branchiootorenal syndrome; Branchio-oto-renal syndrome; Branchiootorenal Syndrome (BORS). Identifiers: Orphanet 107, MedGen C0265234, MONDO:0007029.

Submission:

Labcorp Genetics (formerly Invitae), Labcorp
Classification: Pathogenic for Melnick-Fraser syndrome. Last evaluated: 2022-09-03. Review status: criteria provided, single submitter. Criteria: Invitae Variant Classification Sherloc (09022015). Collection method: clinical testing. Allele origin: germline.
Comment: For these reasons, this variant has been classified as Pathogenic. Algorithms developed to predict the effect of sequence changes on RNA splicing suggest that this variant may disrupt the consensus splice site. This sequence change creates a premature translational stop signal (p.Tyr134*) in the EYA1 gene. It is expected to result in an absent or disrupted protein product. Loss-of-function variants in EYA1 are known to be pathogenic (PMID: 10464653, 18220287). This variant is not present in population databases (gnomAD no frequency). This premature translational stop signal has been observed in individual(s) with clinical features of branchiootorenal spectrum disorders (PMID: 18220287, 21280147). In at least one individual the variant was observed to be de novo.

Literature cited by the submitters: PubMed 10464653; PubMed 18220287; PubMed 21280147.

NM_000503.6(EYA1):c.402C>G (p.Tyr134Ter)

Gene: EYA1 (EYA transcriptional coactivator and phosphatase 1; minus strand). Cytogenetic location: 8q13.3.
Variant type: single nucleotide variant.
Coding change: c.402C>G on transcript NM_000503.6 (MANE Select); coding-DNA position 402, C replaced by G.
Protein change: p.Tyr134Ter; replaces tyrosine 134 with a stop codon.
Molecular consequence: nonsense.
Genome position (GRCh38, 1-based): chr8:71,321,750, G>C on the plus strand (C>G on the coding strand, the complement: EYA1 is on the minus strand). VCF-style: chr8-71321750-G-C. GRCh37 (hg19) VCF-style: chr8-72233985-G-C.
Other names: c.399C>G, p.Tyr133Ter (NM_001288574.2); c.51C>G, p.Tyr17Ter (NM_001288575.2); c.489C>G, p.Tyr163Ter (NM_001370333.1, NM_172059.5); c.402C>G, p.Tyr134Ter (NM_001370334.1, NM_001370335.1, NM_172058.4); c.486C>G, p.Tyr162Ter (NM_001370336.1); c.303C>G, p.Tyr101Ter (NM_001411797.1, NM_172060.4); short protein forms Y101*, Y163*, Y17*, Y133*, Y162*, Y134*.
Identifiers: ClinVar variation 2028798 (VCV002028798.4), dbSNP rs778305743, ClinGen allele CA371468432.